The following is an entry in ClinVar:

NM_022552.5(DNMT3A):c.1855C>T (p.Pro619Ser)

Gene: DNMT3A (DNA methyltransferase 3 alpha; minus strand). Cytogenetic location: 2p23.3.
Variant type: single nucleotide variant.
Coding change: c.1855C>T on transcript NM_022552.5 (MANE Select); coding-DNA position 1855, C replaced by T.
Protein change: p.Pro619Ser; replaces proline 619 with serine.
Molecular consequence: missense variant. On other transcripts: non-coding transcript variant (1).
Genome position (GRCh38, 1-based): chr2:25,243,979, G>A on the plus strand (C>T on the coding strand, the complement: DNMT3A is on the minus strand). VCF-style: chr2-25243979-G-A. GRCh37 (hg19) VCF-style: chr2-25466848-G-A.
Other names: c.1399C>T, p.Pro467Ser (NM_001320893.1); c.1186C>T, p.Pro396Ser (NM_001375819.1); c.1288C>T, p.Pro430Ser (NM_153759.3); c.1855C>T, p.Pro619Ser (NM_175629.2); short protein forms P396S, P430S, P467S, P619S.
Identifiers: ClinVar variation 4278684 (VCV004278684.2).
Genomic context (GRCh38, chr2:25,243,979, plus strand): 5'-GAGACAGCACCCGGATGGGCTTCCTCTTCTCAGCTGGGACAGGTGGGTAAACCTTTGGAG[G>A]GTCCTAAGCAGTGAGCACAACAGGTCAGATGCAGGCCCAGCGGTGTCCCAAGCTCCCACC-3'
Protein context (NP_072046.2, residues 609-629): FANNHDQEFD[Pro619Ser]PKVYPPVPAE

ClinVar aggregate classification (germline): Uncertain significance (1 of 4 stars; one submission).

Submission:

GeneDx
Classification: Uncertain significance. Last evaluated: 2025-10-09. Review status: criteria provided, single submitter. Criteria: GeneDx Variant Classification Process June 2021. Collection method: clinical testing. Allele origin: germline.
Comment: Not observed at significant frequency in large population cohorts (gnomAD); In silico analysis supports that this missense variant has a deleterious effect on protein structure/function; Has not been previously published as pathogenic or benign to our knowledge